The following is an entry in ClinVar:

NM_144639.3(UROC1):c.1056C>T (p.Gly352=)

Gene: UROC1 (urocanate hydratase 1; minus strand). Cytogenetic location: 3q21.3.
Variant type: single nucleotide variant.
Coding change: c.1056C>T on transcript NM_144639.3 (MANE Select); coding-DNA position 1056, C replaced by T.
Protein change: p.Gly352=; no amino-acid change (glycine 352 retained).
Molecular consequence: synonymous variant.
Genome position (GRCh38, 1-based): chr3:126,500,784, G>A on the plus strand (C>T on the coding strand, the complement: UROC1 is on the minus strand). VCF-style: chr3-126500784-G-A. GRCh37 (hg19) VCF-style: chr3-126219627-G-A.
Other names: NC_000003.11:g.126219627G>A; c.1236C>T, p.Gly412= (NM_001165974.2).
Identifiers: ClinVar variation 130698 (VCV000130698.8), dbSNP rs34025926, ClinGen allele CA155901.

ClinVar aggregate classification (germline): Benign. Review status: criteria provided, single submitter (1 of 4 stars). 2 submissions from 2 submitters: Benign (1). 1 of the submissions does not count toward it.

Allele frequency attached by ClinVar (database versions not stated): 1000 Genomes Project 0.21665; 1000 Genomes Project 30x 0.22033; gnomAD exomes 0.25464 and 0.29343; TOPMed 0.25967; ExAC 0.26060; gnomAD 0.27192 and 0.27430; ESP Exome Variant Server 0.29571.
gnomAD v4.1: 469,509 of 1,613,914 alleles (29%); highest among the groups gnomAD compares: Middle Eastern, 34%; 71,589 homozygotes.

Submissions (3):

Breakthrough Genomics
Classification: Benign. Review status: criteria provided, single submitter. Criteria: ACMG Guidelines, 2015. Collection method: not provided. Allele origin: germline. Inheritance: Autosomal recessive inheritance. Affected: yes.

Dr. Peter K. Rogan Lab, Western University
No classification provided (evidence only). Condition: Malignant lymphoma, large B-cell, diffuse. Review status: no classification provided. Collection method: in vitro. Allele origin: not applicable. Functional consequence: retained intron. Not counted in ClinVar's aggregate classification.

Genetic Services Laboratory, University of Chicago
Classification: Likely benign for AllHighlyPenetrant. Review status: no assertion criteria provided. Collection method: clinical testing. Allele origin: germline. Inheritance: Autosomal recessive inheritance. Not counted in ClinVar's aggregate classification.
Comment: Likely benign based on allele frequency in 1000 Genomes Project or ESP global frequency and its presence in a patient with a rare or unrelated disease phenotype. NOT Sanger confirmed.